The following is an entry in ClinVar:

NM_016507.4(CDK12):c.3208A>G (p.Thr1070Ala)

Gene: CDK12 (cyclin dependent kinase 12; plus strand). Cytogenetic location: 17q12.
Variant type: single nucleotide variant.
Coding change: c.3208A>G on transcript NM_016507.4 (MANE Select); coding-DNA position 3208, A replaced by G.
Protein change: p.Thr1070Ala; replaces threonine 1070 with alanine.
Molecular consequence: missense variant.
Genome position (GRCh38, 1-based): chr17:39,524,786, A>G. VCF-style: chr17-39524786-A-G. GRCh37 (hg19) VCF-style: chr17-37681039-A-G.
Other names: c.3208A>G, p.Thr1070Ala (NM_015083.4); short protein forms T1070A.
Identifiers: ClinVar variation 4224401 (VCV004224401.1).

ClinVar aggregate classification (germline): Uncertain significance (1 of 4 stars; one submission).

gnomAD v4.1: 7 of 1,614,128 alleles (0.00043%); highest among the groups gnomAD compares: East Asian, 0.0022%; no homozygotes.

Submission:

Ambry Genetics
Classification: Uncertain significance. Last evaluated: 2025-08-20. Review status: criteria provided, single submitter. Criteria: Ambry Variant Classification Scheme 2023. Collection method: clinical testing. Allele origin: germline.
Comment: The p.T1070A variant (also known as c.3208A>G), located in coding exon 12 of the CDK12 gene, results from an A to G substitution at nucleotide position 3208. The threonine at codon 1070 is replaced by alanine, an amino acid with similar properties. This amino acid position is conserved. In addition, this alteration is predicted to be tolerated by in silico analysis. Based on the available evidence, the clinical significance of this variant remains unclear.